The following is an entry in ClinVar:

NM_001365951.3(KIF1B):c.1070A>G (p.Asn357Ser)

Gene: KIF1B (kinesin family member 1B; plus strand). Cytogenetic location: 1p36.22.
Variant type: single nucleotide variant.
Coding change: c.1070A>G on transcript NM_001365951.3 (MANE Select); coding-DNA position 1070, A replaced by G.
Protein change: p.Asn357Ser; replaces asparagine 357 with serine.
Molecular consequence: missense variant.
Genome position (GRCh38, 1-based): chr1:10,278,018, A>G. VCF-style: chr1-10278018-A-G. GRCh37 (hg19) VCF-style: chr1-10338076-A-G.
Other names: c.1070A>G, p.Asn357Ser (NM_001365952.1); c.1052A>G, p.Asn351Ser (NM_001365953.1, NM_015074.3, NM_183416.4); short protein forms N351S, N357S.
Identifiers: ClinVar variation 1777500 (VCV001777500.2), dbSNP rs2521196614, ClinGen allele CA338334017.

ClinVar aggregate classification (germline): Uncertain significance (1 of 4 stars; one submission).

Allele frequency attached by ClinVar (database versions not stated): gnomAD exomes below 0.00001.
gnomAD v4.1: 2 of 1,614,086 alleles (0.00012%); highest among the groups gnomAD compares: Middle Eastern, 0.016%; no homozygotes.

Submission:

Ambry Genetics
Classification: Uncertain significance. Last evaluated: 2022-01-18. Review status: criteria provided, single submitter. Criteria: Ambry Variant Classification Scheme 2023. Collection method: clinical testing. Allele origin: germline.
Comment: The p.N351S variant (also known as c.1052A>G), located in coding exon 11 of the KIF1B gene, results from an A to G substitution at nucleotide position 1052. The asparagine at codon 351 is replaced by serine, an amino acid with highly similar properties. This amino acid position is conserved. In addition, the in silico prediction for this alteration is inconclusive. Since supporting evidence is limited at this time, the clinical significance of this alteration remains unclear.